The following is an entry in ClinVar:

ClinVar aggregate classification (germline): Benign/Likely benign. Review status: criteria provided, multiple submitters, no conflicts (2 of 4 stars). 3 submissions from 3 submitters: Benign (1); Likely benign (2). Last evaluated 2026-08-23.

Conditions:
Kabuki syndrome 1 (KABUK1). Also called: KMT2D-Related Kabuki Syndrome. Identifiers: Orphanet 2322, MedGen CN030661, MONDO:0007843, OMIM 147920.
Choanal atresia-athelia-hypothyroidism-delayed puberty-short stature syndrome (BCAHH). Also called: BRANCHIAL ARCH ABNORMALITIES, CHOANAL ATRESIA, ATHELIA, HEARING LOSS, AND HYPOTHYROIDISM SYNDROME. Identifiers: Orphanet 589856, MedGen C5680310, MONDO:0035651, OMIM 620186.
KMT2D-related disorder. Also called: KMT2D-Related Disorders.
Kabuki syndrome. Also called: NIIKAWA-KUROKI SYNDROME; Kabuki make-up syndrome. Identifiers: Orphanet 2322, MedGen C0796004, MONDO:0016512.

Allele frequency attached by ClinVar (database versions not stated): 1000 Genomes Project 30x 0.00016.
gnomAD v4.1: 28 of 1,608,570 alleles (0.0017%); highest among the groups gnomAD compares: East Asian, 0.038%; no homozygotes.

Submissions (3):

PreventionGenetics, part of Exact Sciences
Classification: Likely benign for KMT2D-related condition. Last evaluated: 2026-08-23. Review status: criteria provided, single submitter. Criteria: ACMG Guidelines, 2015. Collection method: clinical testing. Allele origin: germline.
Comment: This variant is classified as likely benign based on ACMG/AMP sequence variant interpretation guidelines (Richards et al. 2015 PMID: 25741868, with internal and published modifications).

Labcorp Genetics (formerly Invitae), Labcorp
Classification: Benign for Kabuki syndrome. Last evaluated: 2025-11-20. Review status: criteria provided, single submitter. Criteria: Invitae Variant Classification Sherloc (09022015). Collection method: clinical testing. Allele origin: germline.

Fulgent Genetics
Classification: Likely benign for Kabuki syndrome 1; Choanal atresia-athelia-hypothyroidism-delayed puberty-short stature syndrome. Last evaluated: 2024-03-21. Review status: criteria provided, single submitter. Criteria: ACMG Guidelines, 2015. Collection method: clinical testing. Allele origin: germline.

NM_003482.4(KMT2D):c.8894A>G (p.Asn2965Ser)

Gene: KMT2D (lysine methyltransferase 2D; minus strand). Cytogenetic location: 12q13.12.
Variant type: single nucleotide variant.
Coding change: c.8894A>G on transcript NM_003482.4 (MANE Select); coding-DNA position 8894, A replaced by G.
Protein change: p.Asn2965Ser; replaces asparagine 2965 with serine.
Molecular consequence: missense variant.
Genome position (GRCh38, 1-based): chr12:49,038,462, T>C on the plus strand (A>G on the coding strand, the complement: KMT2D is on the minus strand). VCF-style: chr12-49038462-T-C. GRCh37 (hg19) VCF-style: chr12-49432245-T-C.
Other names: short protein forms N2965S.
Identifiers: ClinVar variation 2148118 (VCV002148118.6), dbSNP rs201316651, ClinGen allele CA6546777.